The following is an entry in ClinVar:

ClinVar aggregate classification (germline): Uncertain significance. Review status: criteria provided, multiple submitters, no conflicts (2 of 4 stars). 3 submissions from 3 submitters: Uncertain significance (3). Last evaluated 2024-09-21.

Allele frequency attached by ClinVar (database versions not stated): gnomAD 0.00001 and 0.00002; TOPMed 0.00003.
gnomAD v4.1: 7 of 1,156,254 alleles (0.00061%); highest among the groups gnomAD compares: African/African-American, 0.011%; no homozygotes.

Submissions (3):

Quest Diagnostics Nichols Institute San Juan Capistrano
Classification: Uncertain significance. Last evaluated: 2024-09-21. Review status: criteria provided, single submitter. Criteria: Quest Diagnostics criteria. Collection method: clinical testing. Allele origin: unknown.
Comment: The HBB c.*93A>T variant has not been reported in individuals with HBB-related conditions in the published literature. The frequency of this variant in the general population, 0.000013 (2/152210 chromosomes (Genome Aggregation Database)), is uninformative in the assessment of its pathogenicity. Analysis of this variant using software algorithms for the prediction of the effect of nucleotide changes on splicing yielded predictions that this variant does not affect HBB mRNA splicing. Based on the available information, we are unable to determine the clinical significance of this variant.

Women's Health and Genetics/Laboratory Corporation of America, LabCorp
Classification: Uncertain significance. Last evaluated: 2024-05-17. Review status: criteria provided, single submitter. Criteria: LabCorp Variant Classification Summary - May 2015. Collection method: clinical testing. Allele origin: germline.
Comment: Variant summary: HBB c.*93A>T is located in the untranslated mRNA region downstream of the termination codon. The variant was absent in 31406 control chromosomes (gnomAD). The available data on variant occurrences in the general population are insufficient to allow any conclusion about variant significance. To our knowledge, no occurrence of c.*93A>T in individuals affected with Hemoglobinopathy and no experimental evidence demonstrating its impact on protein function have been reported. ClinVar contains an entry for this variant (Variation ID: 619851). Based on the evidence outlined above, the variant was classified as uncertain significance.

ARUP Laboratories, Molecular Genetics and Genomics, ARUP Laboratories
Classification: Uncertain significance. Last evaluated: 2018-11-28. Review status: criteria provided, single submitter. Criteria: ARUP Molecular Germline Variant Investigation Process. Collection method: clinical testing. Allele origin: germline.
Comment: The HBB c.*93A>T variant (rs901033731), to our knowledge, is not reported in the medical literature or gene specific databases. This variant occurs in the 3' untranslated region at a nucleotide that is weakly conserved. It occurs 15bp upstream of the poly(A) signal, so does not directly alter the signal sequence. It does not introduce any cryptic splice signals. Although there is no evidence predicting that this alteration is deleterious, functional and/or genetic studies would be needed to determine its clinical significance with certainty.

NM_000518.5(HBB):c.*93A>T

Genes: HBB (hemoglobin subunit beta; minus strand), LOC107133510 (origin of replication at HBB; plus strand), LOC110006319 (beta-globin gene 3' regulatory region; plus strand). Cytogenetic location: 11p15.4.
Variant type: single nucleotide variant.
Coding change: c.*93A>T on transcript NM_000518.5 (MANE Select); 93 bases downstream of the stop codon, A replaced by T.
Molecular consequence: 3 prime UTR variant.
Genome position (GRCh38, 1-based): chr11:5,225,505, T>A on the plus strand (A>T on the coding strand, the complement: HBB is on the minus strand). VCF-style: chr11-5225505-T-A. GRCh37 (hg19) VCF-style: chr11-5246735-T-A.
Identifiers: ClinVar variation 619851 (VCV000619851.16), dbSNP rs901033731, ClinGen allele CA217112101.